The following is an entry in ClinVar:

ClinVar aggregate classification (germline): Likely benign. Review status: criteria provided, single submitter (1 of 4 stars). 2 submissions from 2 submitters: Likely benign (1). 1 of the submissions does not count toward it. Last evaluated 2025-07-06.

Conditions:
Blau syndrome (BLAUS). Also called: GRANULOMATOSIS, FAMILIAL JUVENILE SYSTEMIC; GRANULOMATOSIS, FAMILIAL, BLAU TYPE; GRANULOMATOUS INFLAMMATORY ARTHRITIS, DERMATITIS, AND UVEITIS, FAMILIAL; ARTHROCUTANEOUVEAL GRANULOMATOSIS; JABS SYNDROME. Identifiers: Orphanet 90340, MedGen C5201146, MONDO:0008523, OMIM 186580.
Regional enteritis. Also called: Enteritis, Granulomatous. Identifiers: MedGen C0678202, MeSH D003424.
NOD2-related disorder. Also called: NOD2-related condition.

Allele frequency attached by ClinVar (database versions not stated): ExAC 0.00001.
gnomAD v4.1: 8 of 1,613,604 alleles (0.0005%); highest among the groups gnomAD compares: East Asian, 0.0067%; no homozygotes.

Submissions (2):

Labcorp Genetics (formerly Invitae), Labcorp
Classification: Likely benign for Regional enteritis; Blau syndrome. Last evaluated: 2025-07-06. Review status: criteria provided, single submitter. Criteria: Invitae Variant Classification Sherloc (09022015). Collection method: clinical testing. Allele origin: germline.

PreventionGenetics, part of Exact Sciences
Classification: Likely benign for NOD2-related condition. Last evaluated: 2020-11-02. Review status: no assertion criteria provided. Collection method: clinical testing. Allele origin: germline. Not counted in ClinVar's aggregate classification.
Comment: This variant is classified as likely benign based on ACMG/AMP sequence variant interpretation guidelines (Richards et al. 2015 PMID: 25741868, with internal and published modifications).

NM_001370466.1(NOD2):c.2088G>T (p.Pro696=)

Gene: NOD2 (nucleotide binding oligomerization domain containing 2; plus strand). Cytogenetic location: 16q12.1.
Variant type: single nucleotide variant.
Coding change: c.2088G>T on transcript NM_001370466.1 (MANE Select); coding-DNA position 2088, G replaced by T.
Protein change: p.Pro696=; no amino-acid change (proline 696 retained).
Molecular consequence: synonymous variant. On other transcripts: non-coding transcript variant (1).
Genome position (GRCh38, 1-based): chr16:50,712,080, G>T. VCF-style: chr16-50712080-G-T. GRCh37 (hg19) VCF-style: chr16-50745991-G-T.
Other names: c.2088G>T, p.Pro696= (NM_001293557.2); c.2169G>T, p.Pro723= (NM_022162.3).
Identifiers: ClinVar variation 3033003 (VCV003033003.3), dbSNP rs754856212, ClinGen allele CA8051713.